The following is an entry in ClinVar:

ClinVar aggregate classification (germline): Likely pathogenic. Review status: criteria provided, multiple submitters, no conflicts (2 of 4 stars). 2 submissions from 2 submitters: Likely pathogenic (2). Last evaluated 2025-02-13.

Conditions:
Hereditary breast ovarian cancer syndrome. Also called: BRCA1- and BRCA2-Associated Hereditary Breast and Ovarian Cancer; Hereditary breast and/or ovarian cancer syndrome; Hereditary breast and ovarian cancer; Hereditary breast and ovarian cancer syndrome (HBOC); Breast and ovarian cancer; Hereditary breast and ovarian cancer syndrome. Identifiers: Orphanet 145, MedGen C0677776, MeSH D061325, MONDO:0003582. Disease mechanism: loss of function.
Familial cancer of breast. Also called: BREAST CANCER, FAMILIAL; Hereditary breast cancer; hereditary breast carcinoma. Identifiers: Orphanet 227535, MedGen C0346153, MONDO:0016419, OMIM 114480. Disease mechanism: loss of function.

Allele frequency attached by ClinVar (database versions not stated): gnomAD exomes below 0.00001; ExAC 0.00001.

Submissions (2):

German Consortium for Hereditary Breast and Ovarian Cancer, University Hospital Cologne
Classification: Likely pathogenic for Hereditary breast ovarian cancer syndrome. Last evaluated: 2025-02-13. Review status: criteria provided, single submitter. Criteria: ACMG Guidelines, 2015. Collection method: curation. Allele origin: germline.
Comment: According to the ACMG SVI adaptation criteria we chose these criteria: PVS1 (strong pathogenic): As per PVS1 decision tree von Tayoun (2018): Nonsense or Frameshift --> Not predicted to undergo NMD --> Truncated/altered region is critical to protein function --> PVS1_Strong, PS3 (medium pathogenic): Adamovich et al. PMID: 30925164 V767fs LOF in HDR-, Cisplatin- and IR-Assay, PM2 (supporting pathogenic): very rare in gnomAD V2,3,4

Labcorp Genetics (formerly Invitae), Labcorp
Classification: Likely pathogenic for Familial cancer of breast. Last evaluated: 2024-01-05. Review status: criteria provided, single submitter. Criteria: Invitae Variant Classification Sherloc (09022015). Collection method: clinical testing. Allele origin: germline.
Comment: This sequence change creates a premature translational stop signal (p.Gln735*) in the BARD1 gene. While this is not anticipated to result in nonsense mediated decay, it is expected to disrupt the last 43 amino acid(s) of the BARD1 protein. This variant is present in population databases (rs767395666, gnomAD 0.006%). This premature translational stop signal has been observed in individual(s) with breast cancer (PMID: 28486781, 29752822). This variant is also known as c.2257C>T. This variant disrupts the C-terminal BRCT domain of BARD1 protein, which is required for chromosome stability and homology-directed repair (PMID: 17848578). A different variant (p.Val767fs) that lies downstream of this variant has been reported to affect BARD1 protein function (PMID: 30925164), this suggests that disruption of this region of the protein is causative of disease. In summary, the currently available evidence indicates that the variant is pathogenic, but additional data are needed to prove that conclusively. Therefore, this variant has been classified as Likely Pathogenic.

Literature cited by the submitters: PubMed 28486781 (cited by Labcorp Genetics (formerly Invitae), Labcorp); PubMed 29752822 (cited by Labcorp Genetics (formerly Invitae), Labcorp); PubMed 17848578 (cited by Labcorp Genetics (formerly Invitae), Labcorp); PubMed 30925164 (cited by Labcorp Genetics (formerly Invitae), Labcorp).

NM_000465.4(BARD1):c.2203C>T (p.Gln735Ter)

Gene: BARD1 (BRCA1 associated RING domain 1; minus strand). Cytogenetic location: 2q35.
Variant type: single nucleotide variant.
Coding change: c.2203C>T on transcript NM_000465.4 (MANE Select); coding-DNA position 2203, C replaced by T.
Protein change: p.Gln735Ter; replaces glutamine 735 with a stop codon.
Molecular consequence: nonsense. On other transcripts: non-coding transcript variant (3).
Genome position (GRCh38, 1-based): chr2:214,728,807, G>A on the plus strand (C>T on the coding strand, the complement: BARD1 is on the minus strand). VCF-style: chr2-214728807-G-A. GRCh37 (hg19) VCF-style: chr2-215593531-G-A.
Other names: c.2146C>T, p.Gln716Ter (NM_001282543.2); c.850C>T, p.Gln284Ter (NM_001282545.2); c.793C>T, p.Gln265Ter (NM_001282548.2); c.664C>T, p.Gln222Ter (NM_001282549.2); short protein forms Q265*, Q222*, Q284*, Q716*, Q735*.
Identifiers: ClinVar variation 2734372 (VCV002734372.4), dbSNP rs767395666, ClinGen allele CA2090062.
Genomic context (GRCh38, chr2:214,728,807, plus strand): 5'-CTTTGCCCTGCCGAACCCTCTCTGGGTGATAATTACACAAATCTTCATAGATGATATACT[G>A]TGTGCAGAAGCGCTGATCAGAATCGGGTCTCGCATGGTATGCGACTGTATTGATGGTCTG-3'